The following is an entry in ClinVar:

ClinVar aggregate classification (germline): Likely pathogenic. Review status: criteria provided, multiple submitters, no conflicts (2 of 4 stars). 5 submissions from 5 submitters: Likely pathogenic (5). Last evaluated 2026-05-11.

Conditions:
LZTR1-related schwannomatosis. Also called: Schwannomatosis-2, susceptibility to; Schwannomatosis 2. Identifiers: Orphanet 93921, MedGen C3810283, MONDO:0014299, OMIM 615670.
LZTR1-related disorder. Also called: LZTR1-related disorders; LZTR1-related condition.
Cardiovascular phenotype. Identifiers: MedGen CN230736.
Hereditary cancer-predisposing syndrome. Also called: Tumor predisposition; Hereditary Cancer Syndrome; Hereditary neoplastic syndrome; Neoplastic Syndromes, Hereditary. Identifiers: Orphanet 140162, MedGen C0027672, MeSH D009386, MONDO:0015356.

Allele frequency attached by ClinVar (database versions not stated): gnomAD 0.00001.
gnomAD v4.1: 2 of 1,613,384 alleles (0.00012%); highest among the groups gnomAD compares: South Asian, 0.0011%; no homozygotes.

Submissions (5):

Ambry Genetics
Classification: Likely pathogenic for Cardiovascular phenotype; Hereditary cancer-predisposing syndrome. Last evaluated: 2026-05-11. Review status: criteria provided, single submitter. Criteria: Ambry Variant Classification Scheme 2023. Collection method: clinical testing. Allele origin: germline.
Comment: The c.1943-2A>C intronic variant results from an A to C substitution two nucleotides upstream from coding exon 17 in the LZTR1 gene. This nucleotide position is well conserved in available vertebrate species. In silico splice site analysis predicts that this alteration will weaken the native splice acceptor site and may result in the creation or strengthening of a novel splice acceptor site. RNA studies have demonstrated that this alteration results in abnormal splicing in the set of samples tested (Ambry internal data). Alterations that disrupt the canonical splice site are expected to cause aberrant splicing, resulting in an abnormal protein or a transcript that is subject to nonsense-mediated mRNA decay. Loss-of-function variants in LZTR1 are related to an increased risk for schwannomas and autosomal recessive Noonan syndrome; however, such associations with autosomal dominant Noonan syndrome have not been observed (Piotrowski A et al. Nat Genet. 2014 Feb;46:182-7; Yamamoto GL et al. J Med Genet. 2015 Jun;52:413-21; Johnston JJ et al. Genet Med. 2018 10;20:1175-1185). Based on the supporting evidence, this variant is likely pathogenic for an increased risk of LZTR1-related schwannomatosis (SWN) and would be expected to cause autosomal recessive Noonan syndrome when present along with a second pathogenic or likely pathogenic variant on the other allele; however, the association of this alteration with autosomal dominant Noonan syndrome is unlikely.

Labcorp Genetics (formerly Invitae), Labcorp
Classification: Likely pathogenic. Last evaluated: 2025-01-06. Review status: criteria provided, single submitter. Criteria: Invitae Variant Classification Sherloc (09022015). Collection method: clinical testing. Allele origin: germline.
Comment: This sequence change affects an acceptor splice site in intron 16 of the LZTR1 gene. It is expected to disrupt RNA splicing. Variants that disrupt the donor or acceptor splice site typically lead to a loss of protein function (PMID: 16199547), and loss-of-function variants in LZTR1 are known to be pathogenic (PMID: 24362817, 25335493, 25480913, 25795793, 29469822, 30368668, 30442762, 30442766, 30481304, 30859559). This variant is not present in population databases (gnomAD no frequency). This variant has not been reported in the literature in individuals affected with LZTR1-related conditions. ClinVar contains an entry for this variant (Variation ID: 2963626). Algorithms developed to predict the effect of sequence changes on RNA splicing suggest that this variant may disrupt the consensus splice site. In summary, the currently available evidence indicates that the variant is pathogenic, but additional data are needed to prove that conclusively. Therefore, this variant has been classified as Likely Pathogenic.

Revvity Omics, Revvity
Classification: Likely pathogenic. Last evaluated: 2024-07-25. Review status: criteria provided, single submitter. Criteria: ACMG Guidelines, 2015. Collection method: clinical testing. Allele origin: germline.

Institute for Genomic Medicine (IGM) Clinical Laboratory, Nationwide Children's Hospital
Classification: Likely pathogenic for LZTR1-related schwannomatosis. Last evaluated: 2024-07-17. Review status: criteria provided, single submitter. Criteria: ACMG Guidelines, 2015. Collection method: clinical testing. Allele origin: germline.
Comment: This variant is predicted to result in loss of function through nonsense-mediated decay of the encoded transcript or premature truncation of the encoded protein in a gene in which loss of function is a known mechanism of disease (ACMG/AMP: PVS1; PMIDs:25335493, 25480913). This variant is absent from or present at an exceedingly low frequency in gnomAD, a large-scale control population database (ACMG/AMP: PM2).

Blueprint Genetics
Classification: Likely pathogenic for LZTR1-related disorders. Last evaluated: 2023-10-17. Review status: criteria provided, single submitter. Criteria: ACMG Guidelines, 2015. Collection method: clinical testing. Allele origin: germline. Affected: yes. Observed: 1 variant allele.

Literature cited by the submitters: PubMed 16199547 (cited by Labcorp Genetics (formerly Invitae), Labcorp); PubMed 24362817 (cited by Labcorp Genetics (formerly Invitae), Labcorp); PubMed 25335493 (cited by Labcorp Genetics (formerly Invitae), Labcorp and Institute for Genomic Medicine (IGM) Clinical Laboratory, Nationwide Children's Hospital); PubMed 25480913 (cited by Labcorp Genetics (formerly Invitae), Labcorp and Institute for Genomic Medicine (IGM) Clinical Laboratory, Nationwide Children's Hospital); PubMed 25795793 (cited by Labcorp Genetics (formerly Invitae), Labcorp); PubMed 29469822 (cited by Labcorp Genetics (formerly Invitae), Labcorp); PubMed 30368668 (cited by Labcorp Genetics (formerly Invitae), Labcorp); PubMed 30442762 (cited by Labcorp Genetics (formerly Invitae), Labcorp); PubMed 30442766 (cited by Labcorp Genetics (formerly Invitae), Labcorp); PubMed 30481304 (cited by Labcorp Genetics (formerly Invitae), Labcorp); PubMed 30859559 (cited by Labcorp Genetics (formerly Invitae), Labcorp).

NM_006767.4(LZTR1):c.1943-2A>C

Gene: LZTR1 (leucine zipper like post translational regulator 1; plus strand). Cytogenetic location: 22q11.21.
Variant type: single nucleotide variant.
Coding change: c.1943-2A>C on transcript NM_006767.4 (MANE Select); the canonical splice acceptor site of the intron before coding-DNA position 1943, A replaced by C.
Molecular consequence: splice acceptor variant.
Genome position (GRCh38, 1-based): chr22:20,995,744, A>C. VCF-style: chr22-20995744-A-C. GRCh37 (hg19) VCF-style: chr22-21350033-A-C.
Other names: c.1943-2A>C (NM_006767.3).
Identifiers: ClinVar variation 2963626 (VCV002963626.8), dbSNP rs768770438, ClinGen allele CA410778920.